The following is an entry in ClinVar:

ClinVar aggregate classification (germline): Pathogenic. Review status: reviewed by expert panel (3 of 4 stars). 3 submissions from 3 submitters: Pathogenic (1). 2 of the submissions do not count toward it. Last evaluated 2017-12-15.

Conditions:
Hereditary breast ovarian cancer syndrome. Also called: Hereditary breast and ovarian cancer syndrome (HBOC); BRCA1- and BRCA2-Associated Hereditary Breast and Ovarian Cancer; Hereditary breast and/or ovarian cancer syndrome; Hereditary breast and ovarian cancer syndrome; Hereditary breast and ovarian cancer; Breast and ovarian cancer. Identifiers: Orphanet 145, MedGen C0677776, MeSH D061325, MONDO:0003582. Disease mechanism: loss of function.
Breast-ovarian cancer, familial, susceptibility to, 1 (BROVCA1). Also called: BRCA1 Hereditary Breast and Ovarian Cancer; OVARIAN CANCER, SUSCEPTIBILITY TO. Identifiers: Orphanet 145, MedGen C2676676, MONDO:0011450, OMIM 604370. Disease mechanism: loss of function.

Submissions (3):

Evidence-based Network for the Interpretation of Germline Mutant Alleles (ENIGMA)
Classification: Pathogenic for Breast-ovarian cancer, familial, susceptibility to, 1. Last evaluated: 2017-12-15. Review status: reviewed by expert panel. Criteria: ENIGMA BRCA1/2 Classification Criteria (2017-06-29). Collection method: curation. Allele origin: germline. Study: ENIGMA.
Comment: Variant allele predicted to encode a truncated non-functional protein.

Labcorp Genetics (formerly Invitae), Labcorp
Classification: Pathogenic for Hereditary breast ovarian cancer syndrome. Last evaluated: 2022-02-21. Review status: criteria provided, single submitter. Criteria: Invitae Variant Classification Sherloc (09022015). Collection method: clinical testing. Allele origin: germline. Not counted in ClinVar's aggregate classification.
Comment: ClinVar contains an entry for this variant (Variation ID: 419556). For these reasons, this variant has been classified as Pathogenic. This variant has not been reported in the literature in individuals affected with BRCA1-related conditions. This variant is not present in population databases (gnomAD no frequency). This sequence change creates a premature translational stop signal (p.Gly1471Alafs*34) in the BRCA1 gene. It is expected to result in an absent or disrupted protein product. Loss-of-function variants in BRCA1 are known to be pathogenic (PMID: 20104584).

GeneDx
Classification: Pathogenic. Last evaluated: 2015-07-22. Review status: criteria provided, single submitter. Criteria: GeneDx Variant Classification (06012015). Collection method: clinical testing. Allele origin: germline. Affected: yes. Not counted in ClinVar's aggregate classification.
Comment: This pathogenic variant is denoted BRCA1 c.4412delG at the cDNA level and p.Gly1471AlafsX34 (G1471AfsX34) at the protein level. The deletion creates a frame shift, which changes a Glycine to an Alanine at codon 1471, and introduces a premature stop codon at position 34 of the new reading frame. This variant is predicted to cause loss of normal protein function through either protein truncation or nonsense-mediated mRNA decay. Using alternate nomenclature, this variant would be defined as BRCA1 4531delG. Although this variant has not, to our knowledge, been reported in the literature, it is considered pathogenic.

Literature cited by the submitters: PubMed 20104584 (cited by Labcorp Genetics (formerly Invitae), Labcorp).

NM_007294.4(BRCA1):c.4412del (p.Gly1471fs)

Gene: BRCA1 (BRCA1 DNA repair associated; minus strand). Cytogenetic location: 17q21.31.
Variant type: Deletion.
Coding change: c.4412del on transcript NM_007294.4 (MANE Select); coding-DNA position 4412, one base deleted (G; older notation c.4412delG).
Protein change: p.Gly1471fs; shifts the reading frame from glycine 1471.
Molecular consequence: frameshift variant. On other transcripts: non-coding transcript variant (1).
Genome position (GRCh38, 1-based): chr17:43,076,560, C deleted on the plus strand (G on the coding strand, the reverse complement: BRCA1 is on the minus strand); the first of 2 consecutive C bases (chr17:43,076,560-43,076,561); deleting either gives the same sequence. VCF-style (leftmost placement, unchanged base first): chr17-43076559-GC-G. GRCh37 (hg19) VCF-style: chr17-41228576-GC-G.
Other names: c.4412delG (NM_007294.3); c.4078delG, p.Gly1360Alafs (NM_001407948.1, NM_001407949.1, NM_001407946.1 and 1 more transcripts); c.4075delG, p.Gly1359Alafs (NM_001407950.1, NM_001407951.1, NM_001407952.1 and 3 more transcripts); c.4072delG, p.Gly1358Alafs (NM_001407956.1, NM_001407957.1, NM_001407958.1); c.4030delG, p.Gly1344Alafs (NM_001407959.1); c.4027delG, p.Gly1343Alafs (NM_001407960.1, NM_001407962.1); c.4024delG, p.Gly1342Alafs (NM_001407963.1); c.3904delG, p.Gly1302Alafs (NM_001407965.1); and 72 more; short protein forms G1471fs, G1492fs, G367fs, G1424fs.
Identifiers: ClinVar variation 419556 (VCV000419556.11), dbSNP rs1064793951, ClinGen allele CA16620424.